The following is an entry in ClinVar:

ClinVar aggregate classification (germline): Uncertain significance (1 of 4 stars; one submission).

Conditions:
Usher syndrome type 3B. Also called: USHER SYNDROME, TYPE IIIB. Identifiers: MedGen C3281066, MONDO:0013788, OMIM 614504.

Submission:

Labcorp Genetics (formerly Invitae), Labcorp
Classification: Uncertain significance for Usher syndrome type 3B. Last evaluated: 2023-12-25. Review status: criteria provided, single submitter. Criteria: Invitae Variant Classification Sherloc (09022015). Collection method: clinical testing. Allele origin: germline.
Comment: This variant results in a copy number gain of the genomic region encompassing exon(s) 3-5 of the HARS gene. While the exact position of this variant cannot be determined from the data, sub-genic copy number gains are generally in tandem (PMID: 25640679). This variant is predicted to be in-frame, and likely preserves the integrity of the reading frame. This variant has not been reported in the literature in individuals affected with HARS-related conditions. Experimental studies and prediction algorithms are not available or were not evaluated, and the functional significance of this variant is currently unknown. In summary, the available evidence is currently insufficient to determine the role of this variant in disease. Therefore, it has been classified as a Variant of Uncertain Significance.

Literature cited by the submitters: PubMed 25640679.

NC_000005.9:g.(?_140058567)_(140062824_?)dup

Gene: HARS1 (histidyl-tRNA synthetase 1; minus strand). Cytogenetic location: 5q31.3.
Variant type: Duplication.
Identifiers: ClinVar variation 1680233 (VCV001680233.5).